The following is an entry in ClinVar:

NM_003896.4(ST3GAL5):c.271G>T (p.Glu91Ter)

Gene: ST3GAL5 (ST3 beta-galactoside alpha-2,3-sialyltransferase 5; minus strand). Cytogenetic location: 2p11.2.
Variant type: single nucleotide variant.
Coding change: c.271G>T on transcript NM_003896.4 (MANE Select); coding-DNA position 271, G replaced by T.
Protein change: p.Glu91Ter; replaces glutamic acid 91 with a stop codon.
Molecular consequence: nonsense. On other transcripts: 5 prime UTR variant (5).
Genome position (GRCh38, 1-based): chr2:85,861,228, C>A on the plus strand (G>T on the coding strand, the complement: ST3GAL5 is on the minus strand). VCF-style: chr2-85861228-C-A. GRCh37 (hg19) VCF-style: chr2-86088351-C-A.
Other names: c.202G>T, p.Glu68Ter (NM_001042437.2); c.-291G>T (NM_001354223.2, NM_001354226.2); c.-354G>T (NM_001354224.2); c.187G>T, p.Glu63Ter (NM_001354227.2, NM_001354229.2, NM_001354238.1); c.-731G>T (NM_001354233.2); c.-695G>T (NM_001354234.1); c.271G>T, p.Glu91Ter (NM_001363847.1); short protein forms E91*, E68*, E63*.
Identifiers: ClinVar variation 2732879 (VCV002732879.3), dbSNP rs1684692369, ClinGen allele CA347534025.
Genomic context (GRCh38, chr2:85,861,228, plus strand): 5'-TGGGATATCTAACCTTTACATGGTCAGGGTCCACATAATGCATTTTTTTCATGTCACATT[C>A]TTCAGTAGTATAATTTAACTTGAGGATATAAAGGATCCACACTCCAAACACAAGCAATGT-3'

ClinVar aggregate classification (germline): Pathogenic (1 of 4 stars; one submission).

Conditions:
GM3 synthase deficiency (SPDRS). Also called: SALT AND PEPPER MENTAL RETARDATION SYNDROME; SALT AND PEPPER DEVELOPMENTAL REGRESSION SYNDROME; AMISH INFANTILE EPILEPSY SYNDROME. Identifiers: Orphanet 171714, Orphanet 370933, MedGen C1836824, MONDO:0018274, OMIM 609056.

Submission:

Labcorp Genetics (formerly Invitae), Labcorp
Classification: Pathogenic for GM3 synthase deficiency. Last evaluated: 2023-10-14. Review status: criteria provided, single submitter. Criteria: Invitae Variant Classification Sherloc (09022015). Collection method: clinical testing. Allele origin: germline.
Comment: This sequence change creates a premature translational stop signal (p.Glu91*) in the ST3GAL5 gene. It is expected to result in an absent or disrupted protein product. Loss-of-function variants in ST3GAL5 are known to be pathogenic (PMID: 15502825, 22990144, 27232954). This variant is not present in population databases (gnomAD no frequency). This variant has not been reported in the literature in individuals affected with ST3GAL5-related conditions. Algorithms developed to predict the effect of sequence changes on RNA splicing suggest that this variant may disrupt the consensus splice site. For these reasons, this variant has been classified as Pathogenic.

Literature cited by the submitters: PubMed 15502825; PubMed 22990144; PubMed 27232954.